The following is an entry in ClinVar:

NM_000051.4(ATM):c.5010T>G (p.Ala1670=)

Gene: ATM (ATM serine/threonine kinase; plus strand). Cytogenetic location: 11q22.3.
Variant type: single nucleotide variant.
Coding change: c.5010T>G on transcript NM_000051.4 (MANE Select); coding-DNA position 5010, T replaced by G.
Protein change: p.Ala1670=; no amino-acid change (alanine 1670 retained).
Molecular consequence: synonymous variant.
Genome position (GRCh38, 1-based): chr11:108,299,718, T>G. VCF-style: chr11-108299718-T-G. GRCh37 (hg19) VCF-style: chr11-108170445-T-G.
Other names: c.5010T>G, p.Ala1670= (NM_001351834.2).
Identifiers: ClinVar variation 453553 (VCV000453553.16), dbSNP rs1555104482, ClinGen allele CA476674649.

ClinVar aggregate classification (germline): Benign/Likely benign. Review status: criteria provided, multiple submitters, no conflicts (2 of 4 stars). 3 submissions from 3 submitters: Benign (1); Likely benign (2). Last evaluated 2024-05-22.

Conditions:
Hereditary cancer-predisposing syndrome. Also called: Tumor predisposition; Hereditary Cancer Syndrome; Neoplastic Syndromes, Hereditary; Hereditary neoplastic syndrome. Identifiers: Orphanet 140162, MedGen C0027672, MeSH D009386, MONDO:0015356.
Familial cancer of breast. Also called: Hereditary breast cancer; hereditary breast carcinoma; BREAST CANCER, FAMILIAL. Identifiers: Orphanet 227535, MedGen C0346153, MONDO:0016419, OMIM 114480. Disease mechanism: loss of function.
Ataxia-telangiectasia syndrome (AT). Also called: Cerebello-oculocutaneous telangiectasia; Immunodeficiency with ataxia telangiectasia; Ataxia-telangiectasia, complementation group D; AT, COMPLEMENTATION GROUP C; Ataxia-telangiectasia, complementation group E; LOUIS-BAR SYNDROME. Identifiers: Orphanet 100, MedGen C0004135, MONDO:0008840, OMIM 208900.

Submissions (3):

Myriad Genetics, Inc.
Classification: Benign for Familial cancer of breast. Last evaluated: 2024-05-22. Review status: criteria provided, single submitter. Criteria: Myriad Autosomal Dominant, Autosomal Recessive and X-Linked Classification Criteria (2023). Collection method: clinical testing. Allele origin: unknown.
Comment: This variant is considered benign. This variant is a silent/synonymous amino acid change and it is not expected to impact splicing.

Labcorp Genetics (formerly Invitae), Labcorp
Classification: Likely benign for Ataxia-telangiectasia syndrome. Last evaluated: 2022-09-19. Review status: criteria provided, single submitter. Criteria: Invitae Variant Classification Sherloc (09022015). Collection method: clinical testing. Allele origin: germline.

Ambry Genetics
Classification: Likely benign for Hereditary cancer-predisposing syndrome. Last evaluated: 2019-02-13. Review status: criteria provided, single submitter. Criteria: Ambry Variant Classification Scheme 2023. Collection method: clinical testing. Allele origin: germline.